The following is an entry in ClinVar:

ClinVar aggregate classification (germline): Conflicting classifications of pathogenicity. Review status: criteria provided, conflicting classifications (1 of 4 stars). 3 submissions from 3 submitters: Uncertain significance (1); Likely benign (2). Last evaluated 2025-04-29.

Conditions:
Inborn genetic diseases. Identifiers: MedGen C0950123, MeSH D030342.
Amyotrophic lateral sclerosis type 6. Also called: FUS-Related Amyotrophic Laterial Sclerosis; AMYOTROPHIC LATERAL SCLEROSIS 6 WITHOUT FRONTOTEMPORAL DEMENTIA; Amyotrophic lateral sclerosis 6, with or without frontotemporal dementia. Identifiers: Orphanet 275872, Orphanet 803, MedGen C2931786, MONDO:0011951, OMIM 608030.
Tremor, hereditary essential, 4 (ETM4). Identifiers: MedGen C3539195, MONDO:0013888, OMIM 614782.

Allele frequency attached by ClinVar (database versions not stated): gnomAD exomes 0.00002 and 0.00008; TOPMed 0.00004; gnomAD 0.00005; ExAC 0.00008.
gnomAD v4.1: 34 of 1,614,146 alleles (0.0021%); highest among the groups gnomAD compares: East Asian, 0.074%; no homozygotes.

Submissions (3):

Mayo Clinic Laboratories, Mayo Clinic
Classification: Uncertain significance. Last evaluated: 2025-04-29. Review status: criteria provided, single submitter. Criteria: ACMG Guidelines, 2015. Collection method: clinical testing. Allele origin: germline. Observed: 1 variant allele.
Comment: BS1

Labcorp Genetics (formerly Invitae), Labcorp
Classification: Likely benign for Tremor, hereditary essential, 4; Amyotrophic lateral sclerosis type 6. Last evaluated: 2025-01-05. Review status: criteria provided, single submitter. Criteria: Invitae Variant Classification Sherloc (09022015). Collection method: clinical testing. Allele origin: germline.

Ambry Genetics
Classification: Likely benign for Inborn genetic diseases. Last evaluated: 2020-08-18. Review status: criteria provided, single submitter. Criteria: Ambry Variant Classification Scheme 2023. Collection method: clinical testing. Allele origin: germline.

Literature cited by the submitters: PubMed 23582660 (cited by Mayo Clinic Laboratories, Mayo Clinic); PubMed 23825177 (cited by Mayo Clinic Laboratories, Mayo Clinic); PubMed 24080306 (cited by Mayo Clinic Laboratories, Mayo Clinic); PubMed 24262168 (cited by Mayo Clinic Laboratories, Mayo Clinic); PubMed 24840975 (cited by Mayo Clinic Laboratories, Mayo Clinic); PubMed 25631824 (cited by Mayo Clinic Laboratories, Mayo Clinic); PubMed 27415968 (cited by Mayo Clinic Laboratories, Mayo Clinic); PubMed 31022909 (cited by Mayo Clinic Laboratories, Mayo Clinic); PubMed 32038460 (cited by Mayo Clinic Laboratories, Mayo Clinic); PubMed 32196977 (cited by Mayo Clinic Laboratories, Mayo Clinic); PubMed 34072005 (cited by Mayo Clinic Laboratories, Mayo Clinic); PubMed 35861376 (cited by Mayo Clinic Laboratories, Mayo Clinic).

NM_004960.4(FUS):c.1176G>A (p.Met392Ile)

Gene: FUS (FUS RNA binding protein; plus strand). Cytogenetic location: 16p11.2.
Variant type: single nucleotide variant.
Coding change: c.1176G>A on transcript NM_004960.4 (MANE Select); coding-DNA position 1176, G replaced by A.
Protein change: p.Met392Ile; replaces methionine 392 with isoleucine.
Molecular consequence: missense variant. On other transcripts: non-coding transcript variant (1).
Genome position (GRCh38, 1-based): chr16:31,190,282, G>A. VCF-style: chr16-31190282-G-A. GRCh37 (hg19) VCF-style: chr16-31201603-G-A.
Other names: p.Met392Ile; c.1173G>A, p.Met391Ile (NM_001170634.1); c.1164G>A, p.Met388Ile (NM_001170937.1); short protein forms M388I, M391I, M392I.
Identifiers: ClinVar variation 772949 (VCV000772949.14), dbSNP rs751937417, ClinGen allele CA8023971.